The following is an entry in ClinVar:

NM_000186.4(CFH):c.1412A>G (p.Glu471Gly)

Gene: CFH (complement factor H; plus strand). Cytogenetic location: 1q31.3.
Variant type: single nucleotide variant.
Coding change: c.1412A>G on transcript NM_000186.4 (MANE Select); coding-DNA position 1412, A replaced by G.
Protein change: p.Glu471Gly; replaces glutamic acid 471 with glycine.
Molecular consequence: missense variant.
Genome position (GRCh38, 1-based): chr1:196,713,810, A>G. VCF-style: chr1-196713810-A-G. GRCh37 (hg19) VCF-style: chr1-196682940-A-G.
Other names: short protein forms E471G.
Identifiers: ClinVar variation 2039336 (VCV002039336.4), dbSNP rs1299739801, ClinGen allele CA343981896.

ClinVar aggregate classification (germline): Uncertain significance (1 of 4 stars; one submission).

gnomAD v4.1: 1 of 1,611,532 alleles (0.000062%); highest among the groups gnomAD compares: Admixed American, 0.0017%; no homozygotes.

Submission:

Labcorp Genetics (formerly Invitae), Labcorp
Classification: Uncertain significance. Last evaluated: 2022-09-27. Review status: criteria provided, single submitter. Criteria: Invitae Variant Classification Sherloc (09022015). Collection method: clinical testing. Allele origin: germline.
Comment: This sequence change replaces glutamic acid, which is acidic and polar, with glycine, which is neutral and non-polar, at codon 471 of the CFH protein (p.Glu471Gly). This variant is present in population databases (no rsID available, gnomAD 0.003%). This variant has not been reported in the literature in individuals affected with CFH-related conditions. Algorithms developed to predict the effect of missense changes on protein structure and function are either unavailable or do not agree on the potential impact of this missense change (SIFT: "Deleterious"; PolyPhen-2: "Benign"; Align-GVGD: "Class C0"). In summary, the available evidence is currently insufficient to determine the role of this variant in disease. Therefore, it has been classified as a Variant of Uncertain Significance.